The following is an entry in ClinVar:

ClinVar aggregate classification (germline): Pathogenic. Review status: criteria provided, multiple submitters, no conflicts (2 of 4 stars). 3 submissions from 3 submitters: Pathogenic (3). Last evaluated 2023-11-24.

Conditions:
Developmental and epileptic encephalopathy, 9 (DEE9). Also called: Early infantile epileptic encephalopathy 9; EPILEPSY, FEMALE-RESTRICTED, WITH MENTAL RETARDATION; PCDH19-Related X-Linked Female-Limited Epilepsy with Mental Retardation; JUBERG-HELLMAN SYNDROME. Identifiers: Orphanet 101039, Orphanet 2076, MedGen C1848137, MONDO:0010246, OMIM 300088. Disease mechanism: loss of function.

Submissions (3):

Labcorp Genetics (formerly Invitae), Labcorp
Classification: Pathogenic for Developmental and epileptic encephalopathy, 9. Last evaluated: 2023-11-24. Review status: criteria provided, single submitter. Criteria: Invitae Variant Classification Sherloc (09022015). Collection method: clinical testing. Allele origin: germline.
Comment: This sequence change creates a premature translational stop signal (p.Tyr366*) in the PCDH19 gene. It is expected to result in an absent or disrupted protein product. Loss-of-function variants in PCDH19 are known to be pathogenic (PMID: 21053371). This variant is not present in population databases (gnomAD no frequency). This premature translational stop signal has been observed in individual(s) with epilepsy (PMID: 25499160). ClinVar contains an entry for this variant (Variation ID: 447915). For these reasons, this variant has been classified as Pathogenic.

GeneDx
Classification: Pathogenic. Last evaluated: 2023-09-22. Review status: criteria provided, single submitter. Criteria: GeneDx Variant Classification Process June 2021. Collection method: clinical testing. Allele origin: germline. Affected: yes.
Comment: Nonsense variant predicted to result in protein truncation or nonsense mediated decay in a gene for which loss of function is a known mechanism of disease; Not observed at significant frequency in large population cohorts (gnomAD); This variant is associated with the following publications: (PMID: 30451291, 30582250, 23525077, 27149842, 25499160)

Athena Diagnostics
Classification: Pathogenic. Last evaluated: 2017-01-13. Review status: criteria provided, single submitter. Criteria: Athena Diagnostics Criteria. Collection method: clinical testing. Allele origin: germline.

Literature cited by the submitters: PubMed 21053371 (cited by Labcorp Genetics (formerly Invitae), Labcorp); PubMed 25499160 (cited by Labcorp Genetics (formerly Invitae), Labcorp and Athena Diagnostics).

NM_001184880.2(PCDH19):c.1098C>G (p.Tyr366Ter)

Gene: PCDH19 (protocadherin 19; minus strand). Cytogenetic location: Xq22.1.
Variant type: single nucleotide variant.
Coding change: c.1098C>G on transcript NM_001184880.2 (MANE Select); coding-DNA position 1098, C replaced by G.
Protein change: p.Tyr366Ter; replaces tyrosine 366 with a stop codon.
Molecular consequence: nonsense.
Genome position (GRCh38, 1-based): chrX:100,407,500, G>C on the plus strand (C>G on the coding strand, the complement: PCDH19 is on the minus strand). VCF-style: chrX-100407500-G-C. GRCh37 (hg19) VCF-style: chrX-99662498-G-C.
Other names: c.1098C>G, p.Tyr366Ter (NM_001105243.2, NM_020766.3); short protein forms Y366*.
Identifiers: ClinVar variation 447915 (VCV000447915.14), dbSNP rs1239794408, ClinGen allele CA414004248.